The following is an entry in ClinVar:

NM_000051.4(ATM):c.9133C>A (p.Leu3045Ile)

Genes: ATM (ATM serine/threonine kinase; plus strand), C11orf65 (chromosome 11 open reading frame 65; minus strand). Cytogenetic location: 11q22.3.
Variant type: single nucleotide variant.
Coding change: c.9133C>A on transcript NM_000051.4 (MANE Select); coding-DNA position 9133, C replaced by A.
Protein change: p.Leu3045Ile; replaces leucine 3045 with isoleucine.
Molecular consequence: missense variant. On other transcripts: intron variant (2).
Genome position (GRCh38, 1-based): chr11:108,365,470, C>A. VCF-style: chr11-108365470-C-A. GRCh37 (hg19) VCF-style: chr11-108236197-C-A.
Other names: c.9133C>A, p.Leu3045Ile (NM_001351834.2); c.640+20450G>T (NM_001330368.2); c.694+20450G>T (NM_001351110.2); short protein forms L3045I.
Identifiers: ClinVar variation 1765918 (VCV001765918.2), dbSNP rs1555152033, ClinGen allele CA382532082.

ClinVar aggregate classification (germline): Uncertain significance (1 of 4 stars; one submission).

Conditions:
Hereditary cancer-predisposing syndrome. Also called: Hereditary neoplastic syndrome; Neoplastic Syndromes, Hereditary; Tumor predisposition; Hereditary Cancer Syndrome. Identifiers: Orphanet 140162, MedGen C0027672, MeSH D009386, MONDO:0015356.

Submission:

Ambry Genetics
Classification: Uncertain significance for Hereditary cancer-predisposing syndrome. Last evaluated: 2022-07-11. Review status: criteria provided, single submitter. Criteria: Ambry Variant Classification Scheme 2023. Collection method: clinical testing. Allele origin: germline.
Comment: The p.L3045I variant (also known as c.9133C>A), located in coding exon 62 of the ATM gene, results from a C to A substitution at nucleotide position 9133. The leucine at codon 3045 is replaced by isoleucine, an amino acid with highly similar properties. This amino acid position is conserved. In addition, this alteration is predicted to be deleterious by in silico analysis. Since supporting evidence is limited at this time, the clinical significance of this alteration remains unclear.